The following is an entry in ClinVar:

ClinVar aggregate classification (germline): Pathogenic (1 of 4 stars; one submission).

Submission:

CeGaT Center for Human Genetics Tuebingen
Classification: Pathogenic. Last evaluated: 2026-04-01. Review status: criteria provided, single submitter. Criteria: CeGaT Center For Human Genetics Tuebingen Variant Classification Criteria Version 2. Collection method: clinical testing. Allele origin: germline. Affected: yes. Observed: 1 variant allele.
Comment: NAA15: PVS1, PM2

NM_057175.5(NAA15):c.992C>A (p.Ser331Ter)

Gene: NAA15 (N-alpha-acetyltransferase 15, NatA auxiliary subunit; plus strand). Cytogenetic location: 4q31.1.
Variant type: single nucleotide variant.
Coding change: c.992C>A on transcript NM_057175.5 (MANE Select); coding-DNA position 992, C replaced by A.
Protein change: p.Ser331Ter; replaces serine 331 with a stop codon.
Molecular consequence: nonsense.
Genome position (GRCh38, 1-based): chr4:139,351,589, C>A. VCF-style: chr4-139351589-C-A. GRCh37 (hg19) VCF-style: chr4-140272743-C-A.
Other names: c.992C>A, p.Ser331Ter (NM_001410842.1); short protein forms S331*.
Identifiers: ClinVar variation 4872587 (VCV004872587.2).